The following is an entry in ClinVar:

NM_004655.4(AXIN2):c.573G>C (p.Leu191Phe)

Gene: AXIN2 (axin 2; minus strand). Cytogenetic location: 17q24.1.
Variant type: single nucleotide variant.
Coding change: c.573G>C on transcript NM_004655.4 (MANE Select); coding-DNA position 573, G replaced by C.
Protein change: p.Leu191Phe; replaces leucine 191 with phenylalanine.
Molecular consequence: missense variant.
Genome position (GRCh38, 1-based): chr17:65,558,048, C>G on the plus strand (G>C on the coding strand, the complement: AXIN2 is on the minus strand). VCF-style: chr17-65558048-C-G. GRCh37 (hg19) VCF-style: chr17-63554166-C-G.
Other names: c.573G>C, p.Leu191Phe (NM_001363813.1); short protein forms L191F.
Identifiers: ClinVar variation 4741020 (VCV004741020.2).

ClinVar aggregate classification (germline): Uncertain significance. Review status: criteria provided, multiple submitters, no conflicts (2 of 4 stars). 2 submissions from 2 submitters: Uncertain significance (2). Last evaluated 2026-06-08.

Conditions:
Oligodontia-cancer predisposition syndrome. Also called: TOOTH AGENESIS-COLORECTAL CANCER SYNDROME. Identifiers: Orphanet 300576, MedGen C1837750, MONDO:0012075, OMIM 608615. Disease mechanism: loss of function.
Hereditary cancer-predisposing syndrome. Also called: Neoplastic Syndromes, Hereditary; Tumor predisposition; Hereditary Cancer Syndrome; Hereditary neoplastic syndrome. Identifiers: Orphanet 140162, MedGen C0027672, MeSH D009386, MONDO:0015356.

Submissions (2):

Ambry Genetics
Classification: Uncertain significance for Hereditary cancer-predisposing syndrome. Last evaluated: 2026-06-08. Review status: criteria provided, single submitter. Criteria: Ambry Variant Classification Scheme 2023. Collection method: clinical testing. Allele origin: germline.
Comment: The p.L191F variant (also known as c.573G>C), located in coding exon 1 of the AXIN2 gene, results from a G to C substitution at nucleotide position 573. The leucine at codon 191 is replaced by phenylalanine, an amino acid with highly similar properties. This amino acid position is conserved. In addition, the in silico prediction for this alteration is inconclusive. Based on the available evidence, the clinical significance of this variant remains unclear.

Labcorp Genetics (formerly Invitae), Labcorp
Classification: Uncertain significance for Oligodontia-cancer predisposition syndrome. Last evaluated: 2025-08-12. Review status: criteria provided, single submitter. Criteria: Invitae Variant Classification Sherloc (09022015). Collection method: clinical testing. Allele origin: germline.
Comment: This sequence change replaces leucine, which is neutral and non-polar, with phenylalanine, which is neutral and non-polar, at codon 191 of the AXIN2 protein (p.Leu191Phe). This variant is not present in population databases (gnomAD no frequency). This variant has not been reported in the literature in individuals affected with AXIN2-related conditions. Invitae Evidence Modeling of protein sequence and biophysical properties (such as structural, functional, and spatial information, amino acid conservation, physicochemical variation, residue mobility, and thermodynamic stability) indicates that this missense variant is expected to disrupt AXIN2 protein function with a positive predictive value of 80%. In summary, the available evidence is currently insufficient to determine the role of this variant in disease. Therefore, it has been classified as a Variant of Uncertain Significance.